The following is an entry in ClinVar:

ClinVar aggregate classification (germline): Uncertain significance. Review status: criteria provided, multiple submitters, no conflicts (2 of 4 stars). 2 submissions from 2 submitters: Uncertain significance (2). Last evaluated 2024-02-23.

Conditions:
LAMB2-related infantile-onset nephrotic syndrome. Also called: NEPHROTIC SYNDROME, TYPE 5, WITHOUT OCULAR ABNORMALITIES; NEPHROTIC SYNDROME, TYPE 5, WITH OCULAR ABNORMALITIES; Nephrotic Syndrome, type 5. Identifiers: Orphanet 306507, MedGen C3280113, MONDO:0013621, OMIM 614199.
Pierson syndrome. Also called: MICROCORIA-CONGENITAL NEPHROTIC SYNDROME. Identifiers: Orphanet 2670, MedGen C1836876, MONDO:0012184, OMIM 609049.

Allele frequency attached by ClinVar (database versions not stated): TOPMed 0.00002; gnomAD 0.00003; gnomAD exomes 0.00003; ExAC 0.00004.
gnomAD v4.1: 39 of 1,613,320 alleles (0.0024%); highest among the groups gnomAD compares: African/African-American, 0.0093%; 1 homozygote.

Submissions (2):

Fulgent Genetics
Classification: Uncertain significance for Pierson syndrome; LAMB2-related infantile-onset nephrotic syndrome. Last evaluated: 2024-02-23. Review status: criteria provided, single submitter. Criteria: ACMG Guidelines, 2015. Collection method: clinical testing. Allele origin: germline.

Labcorp Genetics (formerly Invitae), Labcorp
Classification: Uncertain significance for LAMB2-related infantile-onset nephrotic syndrome; Pierson syndrome. Last evaluated: 2022-02-03. Review status: criteria provided, single submitter. Criteria: Invitae Variant Classification Sherloc (09022015). Collection method: clinical testing. Allele origin: germline.
Comment: In summary, the available evidence is currently insufficient to determine the role of this variant in disease. Therefore, it has been classified as a Variant of Uncertain Significance. Algorithms developed to predict the effect of missense changes on protein structure and function are either unavailable or do not agree on the potential impact of this missense change (SIFT: "Deleterious"; PolyPhen-2: "Probably Damaging"; Align-GVGD: "Class C0"). ClinVar contains an entry for this variant (Variation ID: 847651). This variant has not been reported in the literature in individuals affected with LAMB2-related conditions. This variant is present in population databases (rs748395355, gnomAD 0.02%), including at least one homozygous and/or hemizygous individual. This sequence change replaces arginine, which is basic and polar, with tryptophan, which is neutral and slightly polar, at codon 561 of the LAMB2 protein (p.Arg561Trp).

NM_002292.4(LAMB2):c.1681C>T (p.Arg561Trp)

Gene: LAMB2 (laminin subunit beta 2; minus strand). Cytogenetic location: 3p21.31.
Variant type: single nucleotide variant.
Coding change: c.1681C>T on transcript NM_002292.4 (MANE Select); coding-DNA position 1681, C replaced by T.
Protein change: p.Arg561Trp; replaces arginine 561 with tryptophan.
Molecular consequence: missense variant.
Genome position (GRCh38, 1-based): chr3:49,129,070, G>A on the plus strand (C>T on the coding strand, the complement: LAMB2 is on the minus strand). VCF-style: chr3-49129070-G-A. GRCh37 (hg19) VCF-style: chr3-49166503-G-A.
Other names: short protein forms R561W.
Identifiers: ClinVar variation 847651 (VCV000847651.9), dbSNP rs748395355, ClinGen allele CA2394531.
Genomic context (GRCh38, chr3:49,129,070, plus strand): 5'-GGCCCCACACCTGCCCTCGGGTGTCCTCAGCCTCCCAAATTAGGTGGTCCAGGAAGGGCC[G>A]GAAGTAGCCAGGTTGCACCTGCTCACAGCGTCGCCCAACCATGTGCTGGCGGCAGTGGCA-3'
Protein context (NP_002283.3, residues 551-571): RCEQVQPGYF[Arg561Trp]PFLDHLIWEA